The following is an entry in ClinVar:

ClinVar aggregate classification (germline): Uncertain significance (1 of 4 stars; one submission).

Submission:

Labcorp Genetics (formerly Invitae), Labcorp
Classification: Uncertain significance. Last evaluated: 2023-11-20. Review status: criteria provided, single submitter. Criteria: Invitae Variant Classification Sherloc (09022015). Collection method: clinical testing. Allele origin: germline.
Comment: This sequence change replaces isoleucine, which is neutral and non-polar, with threonine, which is neutral and polar, at codon 807 of the TNNI3K protein (p.Ile807Thr). This variant is not present in population databases (gnomAD no frequency). This variant has not been reported in the literature in individuals affected with TNNI3K-related conditions. ClinVar contains an entry for this variant (Variation ID: 1424844). Algorithms developed to predict the effect of missense changes on protein structure and function output the following: SIFT: "Not Available"; PolyPhen-2: "Benign"; Align-GVGD: "Not Available". The threonine amino acid residue is found in multiple mammalian species, which suggests that this missense change does not adversely affect protein function. In summary, the available evidence is currently insufficient to determine the role of this variant in disease. Therefore, it has been classified as a Variant of Uncertain Significance.

NM_015978.3(TNNI3K):c.2420T>C (p.Ile807Thr)

Genes: FPGT-TNNI3K (FPGT-TNNI3K readthrough; plus strand), TNNI3K (TNNI3 interacting kinase; plus strand). Cytogenetic location: 1p31.1.
Variant type: single nucleotide variant.
Coding change: c.2420T>C on transcript NM_015978.3 (MANE Select); coding-DNA position 2420, T replaced by C.
Protein change: p.Ile807Thr; replaces isoleucine 807 with threonine.
Molecular consequence: missense variant.
Genome position (GRCh38, 1-based): chr1:74,540,302, T>C. VCF-style: chr1-74540302-T-C. GRCh37 (hg19) VCF-style: chr1-75005986-T-C.
Other names: c.2723T>C, p.Ile908Thr (NM_001112808.3); short protein forms I807T, I908T.
Identifiers: ClinVar variation 1424844 (VCV001424844.6), dbSNP rs2100463806, ClinGen allele CA340799315.